The following is an entry in ClinVar:

NM_017934.7(PHIP):c.3938C>T (p.Ala1313Val)

Genes: IRAK1BP1 (interleukin 1 receptor associated kinase 1 binding protein 1; plus strand), PHIP (PHIP subunit of CUL4-Ring ligase complex; minus strand). Cytogenetic location: 6q14.1.
Variant type: single nucleotide variant.
Coding change: c.3938C>T on transcript NM_017934.7 (MANE Select); coding-DNA position 3938, C replaced by T.
Protein change: p.Ala1313Val; replaces alanine 1313 with valine.
Molecular consequence: missense variant.
Genome position (GRCh38, 1-based): chr6:78,954,929, G>A on the plus strand (C>T on the coding strand, the complement: PHIP is on the minus strand). VCF-style: chr6-78954929-G-A. GRCh37 (hg19) VCF-style: chr6-79664646-G-A.
Other names: short protein forms A1313V.
Identifiers: ClinVar variation 4983383 (VCV004983383.1).

ClinVar aggregate classification (germline): Uncertain significance (1 of 4 stars; one submission).

Conditions:
PHIP-related disorder. Also called: PHIP-related condition; PHIP-related disorders.

gnomAD v4.1: 2 of 1,575,826 alleles (0.00013%); highest among the groups gnomAD compares: South Asian, 0.0024%; no homozygotes.

Submission:

PreventionGenetics, part of Exact Sciences
Classification: Uncertain significance for PHIP-related condition. Last evaluated: 2025-09-23. Review status: criteria provided, single submitter. Criteria: ACMG Guidelines, 2015. Collection method: clinical testing. Allele origin: germline.
Comment: The PHIP c.3938C>T variant is predicted to result in the amino acid substitution p.Ala1313Val. To our knowledge, this variant has not been reported in the literature or in a large population database, indicating this variant is rare. At this time, the clinical significance of this variant is uncertain due to the absence of conclusive functional and genetic evidence.